The following is an entry in ClinVar:

NM_182706.5(SCRIB):c.2289G>A (p.Val763=)

Gene: SCRIB (scribble planar cell polarity protein; minus strand). Cytogenetic location: 8q24.3.
Variant type: single nucleotide variant.
Coding change: c.2289G>A on transcript NM_182706.5 (MANE Select); coding-DNA position 2289, G replaced by A.
Protein change: p.Val763=; no amino-acid change (valine 763 retained).
Molecular consequence: synonymous variant.
Genome position (GRCh38, 1-based): chr8:143,806,464, C>T on the plus strand (G>A on the coding strand, the complement: SCRIB is on the minus strand). VCF-style: chr8-143806464-C-T. GRCh37 (hg19) VCF-style: chr8-144888634-C-T.
Other names: c.2289G>A, p.Val763= (NM_015356.5).
Identifiers: ClinVar variation 738902 (VCV000738902.6), dbSNP rs371785838, ClinGen allele CA4919204.
Genomic context (GRCh38, chr8:143,806,464, plus strand): 5'-CACCTCCAGGAGCTTGTCACCCACACGGACTCCAGCCCGGGCCGCAGGGCCTTCCTCGGA[C>T]ACCCGAGAGATGAATATGCCCTAGGGCACAGACACGAGCTTGGCAGGGGCCAGGGAGACG-3'
Protein context (NP_874365.3, residues 753-773): GDDEGIFISR[Val763=]SEEGPAARAG

ClinVar aggregate classification (germline): Benign. Review status: criteria provided, single submitter (1 of 4 stars). 2 submissions from 2 submitters: Benign (1). 1 of the submissions does not count toward it. Last evaluated 2019-12-31.

Conditions:
SCRIB-related disorder. Also called: SCRIB-related condition.

Allele frequency attached by ClinVar (database versions not stated): gnomAD 0.00001 and 0.00038; TOPMed 0.00006; gnomAD exomes 0.00060 and 0.00130; 1000 Genomes Project 30x 0.00219; 1000 Genomes Project 0.00240; ExAC 0.00253.
gnomAD v4.1: 915 of 1,602,388 alleles (0.057%); highest among the groups gnomAD compares: South Asian, 0.98%; 16 homozygotes.

Submissions (2):

Labcorp Genetics (formerly Invitae), Labcorp
Classification: Benign. Last evaluated: 2019-12-31. Review status: criteria provided, single submitter. Criteria: Invitae Variant Classification Sherloc (09022015). Collection method: clinical testing. Allele origin: germline.

PreventionGenetics, part of Exact Sciences
Classification: Benign for SCRIB-related condition. Last evaluated: 2019-05-23. Review status: no assertion criteria provided. Collection method: clinical testing. Allele origin: germline. Not counted in ClinVar's aggregate classification.
Comment: This variant is classified as benign based on ACMG/AMP sequence variant interpretation guidelines (Richards et al. 2015 PMID: 25741868, with internal and published modifications).